The following is an entry in ClinVar:

ClinVar aggregate classification (germline): Uncertain significance. Review status: criteria provided, multiple submitters, no conflicts (2 of 4 stars). 3 submissions from 3 submitters: Uncertain significance (3). Last evaluated 2024-03-07.

Conditions:
Familial thoracic aortic aneurysm and aortic dissection (TAAD). Also called: Thoracic aortic aneurysms and dissections. Identifiers: Orphanet 91387, MedGen C4707243, MONDO:0019625.
Marfan syndrome (MFS). Also called: Marfan syndrome, classic; Marfan syndrome type 1; Marfan's syndrome; FBN1-Related Marfan Syndrome; MARFAN SYNDROME, TYPE I. Identifiers: Orphanet 284963, Orphanet 558, MedGen C0024796, MONDO:0007947, OMIM 154700.

Allele frequency attached by ClinVar (database versions not stated): TOPMed below 0.00001.

Submissions (3):

Color Diagnostics, LLC DBA Color Health
Classification: Uncertain significance for Familial thoracic aortic aneurysm and aortic dissection. Last evaluated: 2024-03-07. Review status: criteria provided, single submitter. Criteria: ACMG Guidelines, 2015. Collection method: clinical testing. Allele origin: germline.
Comment: This missense variant replaces glycine with glutamic acid at codon 2811 of the FBN1 protein. Computational prediction suggests that this variant may have deleterious impact on protein structure and function (internally defined REVEL score threshold >= 0.7, PMID: 27666373). Splice site prediction tools suggest that this variant may not impact RNA splicing. To our knowledge, functional studies have not been performed for this variant. This variant has not been reported in individuals affected with cardiovascular disorders in the literature. This variant has not been identified in the general population by the Genome Aggregation Database (gnomAD). The available evidence is insufficient to determine the role of this variant in disease conclusively. Therefore, this variant is classified as a Variant of Uncertain Significance.

GeneDx
Classification: Uncertain significance. Last evaluated: 2023-02-15. Review status: criteria provided, single submitter. Criteria: GeneDx Variant Classification Process June 2021. Collection method: clinical testing. Allele origin: germline. Affected: yes.
Comment: Not observed at significant frequency in large population cohorts (gnomAD); In silico analysis supports that this missense variant has a deleterious effect on protein structure/function; Has not been previously published as pathogenic or benign to our knowledge

Labcorp Genetics (formerly Invitae), Labcorp
Classification: Uncertain significance for Marfan syndrome; Familial thoracic aortic aneurysm and aortic dissection. Last evaluated: 2022-08-21. Review status: criteria provided, single submitter. Criteria: Invitae Variant Classification Sherloc (09022015). Collection method: clinical testing. Allele origin: germline.
Comment: This variant has not been reported in the literature in individuals affected with FBN1-related conditions. In summary, the available evidence is currently insufficient to determine the role of this variant in disease. Therefore, it has been classified as a Variant of Uncertain Significance. Advanced modeling of protein sequence and biophysical properties (such as structural, functional, and spatial information, amino acid conservation, physicochemical variation, residue mobility, and thermodynamic stability) performed at Invitae indicates that this missense variant is expected to disrupt FBN1 protein function. ClinVar contains an entry for this variant (Variation ID: 920916). This variant is not present in population databases (gnomAD no frequency). This sequence change replaces glycine, which is neutral and non-polar, with glutamic acid, which is acidic and polar, at codon 2811 of the FBN1 protein (p.Gly2811Glu).

NM_000138.5(FBN1):c.8432G>A (p.Gly2811Glu)

Gene: FBN1 (fibrillin 1; minus strand). Cytogenetic location: 15q21.1.
Variant type: single nucleotide variant.
Coding change: c.8432G>A on transcript NM_000138.5 (MANE Select); coding-DNA position 8432, G replaced by A.
Protein change: p.Gly2811Glu; replaces glycine 2811 with glutamic acid.
Molecular consequence: missense variant.
Genome position (GRCh38, 1-based): chr15:48,411,174, C>T on the plus strand (G>A on the coding strand, the complement: FBN1 is on the minus strand). VCF-style: chr15-48411174-C-T. GRCh37 (hg19) VCF-style: chr15-48703371-C-T.
Other names: short protein forms G2811E.
Identifiers: ClinVar variation 920916 (VCV000920916.9), dbSNP rs2042858918, ClinGen allele CA392319074.